The following is an entry in ClinVar:

ClinVar aggregate classification (germline): Likely pathogenic (1 of 4 stars; one submission).

Submission:

Labcorp Genetics (formerly Invitae), Labcorp
Classification: Likely pathogenic. Last evaluated: 2021-02-16. Review status: criteria provided, single submitter. Criteria: Invitae Variant Classification Sherloc (09022015). Collection method: clinical testing. Allele origin: germline.
Comment: This sequence change affects an acceptor splice site in intron 7 of the SMARCB1 gene. It is expected to disrupt RNA splicing. Variants that disrupt the donor or acceptor splice site typically lead to a loss of protein function (PMID: 16199547), and loss-of-function variants in SMARCB1 are known to be pathogenic (PMID: 10521299, 21208904). This variant is not present in population databases (ExAC no frequency). This variant has not been reported in the literature in individuals with SMARCB1-related conditions. Algorithms developed to predict the effect of sequence changes on RNA splicing suggest that this variant may disrupt the consensus splice site, but this prediction has not been confirmed by published transcriptional studies. In summary, the currently available evidence indicates that the variant is pathogenic, but additional data are needed to prove that conclusively. Therefore, this variant has been classified as Likely Pathogenic.

Literature cited by the submitters: PubMed 16199547; PubMed 10521299; PubMed 21208904.

NM_003073.5(SMARCB1):c.987-1G>C

Gene: SMARCB1 (SWI/SNF related BAF chromatin remodeling complex subunit B1; plus strand). Cytogenetic location: 22q11.23.
Variant type: single nucleotide variant.
Coding change: c.987-1G>C on transcript NM_003073.5 (MANE Select); the canonical splice acceptor site of the intron before coding-DNA position 987, G replaced by C.
Molecular consequence: splice acceptor variant.
Genome position (GRCh38, 1-based): chr22:23,833,571, G>C. VCF-style: chr22-23833571-G-C. GRCh37 (hg19) VCF-style: chr22-24175758-G-C.
Other names: c.1041-1G>C (NM_001362877.2); c.1014-1G>C (NM_001317946.2); c.960-1G>C (NM_001007468.3).
Identifiers: ClinVar variation 1511052 (VCV001511052.8), dbSNP rs2030785010, ClinGen allele CA410912822.